The following is an entry in ClinVar:

NM_030928.4(CDT1):c.1507T>G (p.Ser503Ala)

Gene: CDT1 (chromatin licensing and DNA replication factor 1; plus strand). Cytogenetic location: 16q24.3.
Variant type: single nucleotide variant.
Coding change: c.1507T>G on transcript NM_030928.4 (MANE Select); coding-DNA position 1507, T replaced by G.
Protein change: p.Ser503Ala; replaces serine 503 with alanine.
Molecular consequence: missense variant.
Genome position (GRCh38, 1-based): chr16:88,808,144, T>G. VCF-style: chr16-88808144-T-G. GRCh37 (hg19) VCF-style: chr16-88874552-T-G.
Other names: short protein forms S503A.
Identifiers: ClinVar variation 724365 (VCV000724365.13), dbSNP rs147828044, ClinGen allele CA8234217.

ClinVar aggregate classification (germline): Benign. Review status: criteria provided, multiple submitters, no conflicts (2 of 4 stars). 3 submissions from 3 submitters: Benign (2). 1 of the submissions does not count toward it. Last evaluated 2026-01-01.

Conditions:
CDT1-related disorder. Also called: CDT1-related condition.

Allele frequency attached by ClinVar (database versions not stated): gnomAD exomes 0.00043; ExAC 0.00058; 1000 Genomes Project 0.00120; 1000 Genomes Project 30x 0.00125; gnomAD 0.00140; ESP Exome Variant Server 0.00177; TOPMed 0.00191.
gnomAD v4.1: 522 of 1,612,770 alleles (0.032%); highest among the groups gnomAD compares: African/African-American, 0.64%; 5 homozygotes.

Submissions (3):

Labcorp Genetics (formerly Invitae), Labcorp
Classification: Benign. Last evaluated: 2026-01-01. Review status: criteria provided, single submitter. Criteria: Invitae Variant Classification Sherloc (09022015). Collection method: clinical testing. Allele origin: germline.

Breakthrough Genomics
Classification: Benign. Review status: criteria provided, single submitter. Criteria: ACMG Guidelines, 2015. Collection method: not provided. Allele origin: germline. Inheritance: Autosomal recessive inheritance. Affected: yes.

PreventionGenetics, part of Exact Sciences
Classification: Likely benign for CDT1-related condition. Last evaluated: 2020-02-03. Review status: no assertion criteria provided. Collection method: clinical testing. Allele origin: germline. Not counted in ClinVar's aggregate classification.
Comment: This variant is classified as likely benign based on ACMG/AMP sequence variant interpretation guidelines (Richards et al. 2015 PMID: 25741868, with internal and published modifications).